The following is an entry in ClinVar:

NM_024817.3(THSD4):c.1701C>A (p.Asn567Lys)

Gene: THSD4 (thrombospondin type 1 domain containing 4; plus strand). Cytogenetic location: 15q23.
Variant type: single nucleotide variant.
Coding change: c.1701C>A on transcript NM_024817.3 (MANE Select); coding-DNA position 1701, C replaced by A.
Protein change: p.Asn567Lys; replaces asparagine 567 with lysine.
Molecular consequence: missense variant.
Genome position (GRCh38, 1-based): chr15:71,737,802, C>A. VCF-style: chr15-71737802-C-A. GRCh37 (hg19) VCF-style: chr15-72030141-C-A.
Other names: c.621C>A, p.Asn207Lys (NM_001286429.2); c.1701C>A, p.Asn567Lys (NM_001394532.1); c.1701C>A (NM_024817.2); short protein forms N207K, N567K.
Identifiers: ClinVar variation 1711386 (VCV001711386.32), dbSNP rs200317870, ClinGen allele CA7639634.

ClinVar aggregate classification (germline): Conflicting classifications of pathogenicity. Review status: criteria provided, conflicting classifications (1 of 4 stars). 3 submissions from 3 submitters: Uncertain significance (1); Likely benign (1). 1 of the submissions does not count toward it. Last evaluated 2026-06-01.

Conditions:
THSD4-related disorder. Also called: THSD4-related condition.

Allele frequency attached by ClinVar (database versions not stated): 1000 Genomes Project 30x 0.00062; 1000 Genomes Project 0.00100; ESP Exome Variant Server 0.00120.
gnomAD v4.1: 2,474 of 1,614,166 alleles (0.15%); highest among the groups gnomAD compares: Admixed American, 0.2%; 6 homozygotes.

Submissions (3):

CeGaT Center for Human Genetics Tuebingen
Classification: Likely benign. Last evaluated: 2026-06-01. Review status: criteria provided, single submitter. Criteria: CeGaT Center For Human Genetics Tuebingen Variant Classification Criteria Version 2. Collection method: clinical testing. Allele origin: germline. Affected: yes. Observed: 3 variant alleles.
Comment: THSD4: BP4, BS1

Ambry Genetics
Classification: Uncertain significance. Last evaluated: 2024-12-25. Review status: criteria provided, single submitter. Criteria: Ambry Variant Classification Scheme 2023. Collection method: clinical testing. Allele origin: germline.

PreventionGenetics, part of Exact Sciences
Classification: Likely benign for THSD4-related condition. Last evaluated: 2022-12-28. Review status: no assertion criteria provided. Collection method: clinical testing. Allele origin: germline. Not counted in ClinVar's aggregate classification.
Comment: This variant is classified as likely benign based on ACMG/AMP sequence variant interpretation guidelines (Richards et al. 2015 PMID: 25741868, with internal and published modifications).